The following is an entry in ClinVar:

ClinVar aggregate classification (germline): Uncertain significance (1 of 4 stars; one submission).

Conditions:
Tumor predisposition syndrome 3 (TPDS3). Also called: Melanoma, cutaneous malignant, susceptibility to, 10; Glioma susceptibility 9; LONG TELOMERE SYNDROME, POT1-RELATED; POT1 Tumor Predisposition. Identifiers: Orphanet 618, MedGen C4014476, MONDO:0014368, OMIM 615848.

Submission:

Labcorp Genetics (formerly Invitae), Labcorp
Classification: Uncertain significance for Tumor predisposition syndrome 3. Last evaluated: 2021-10-31. Review status: criteria provided, single submitter. Criteria: Invitae Variant Classification Sherloc (09022015). Collection method: clinical testing. Allele origin: germline.
Comment: This sequence change replaces asparagine, which is neutral and polar, with lysine, which is basic and polar, at codon 282 of the POT1 protein (p.Asn282Lys). RNA analysis indicates that this missense change induces altered splicing and may result in an absent or disrupted protein product. This variant is not present in population databases (gnomAD no frequency). This variant has not been reported in the literature in individuals affected with POT1-related conditions. Algorithms developed to predict the effect of missense changes on protein structure and function are either unavailable or do not agree on the potential impact of this missense change (SIFT: "Tolerated"; PolyPhen-2: "Possibly Damaging"; Align-GVGD: "Class C15"). Studies have shown that this missense change results in partial exon 10 deletion and introduces a premature termination codon (Invitae). The resulting mRNA is expected to undergo nonsense-mediated decay. In summary, the available evidence is currently insufficient to determine the role of this variant in disease. Therefore, it has been classified as a Variant of Uncertain Significance.

NM_015450.3(POT1):c.846C>G (p.Asn282Lys)

Gene: POT1 (protection of telomeres 1; minus strand). Cytogenetic location: 7q31.33.
Variant type: single nucleotide variant.
Coding change: c.846C>G on transcript NM_015450.3 (MANE Select); coding-DNA position 846, C replaced by G.
Protein change: p.Asn282Lys; replaces asparagine 282 with lysine.
Molecular consequence: missense variant. On other transcripts: non-coding transcript variant (3).
Genome position (GRCh38, 1-based): chr7:124,852,995, G>C on the plus strand (C>G on the coding strand, the complement: POT1 is on the minus strand). VCF-style: chr7-124852995-G-C. GRCh37 (hg19) VCF-style: chr7-124493049-G-C.
Other names: c.453C>G, p.Asn151Lys (NM_001042594.2); short protein forms N282K, N151K.
Identifiers: ClinVar variation 1365943 (VCV001365943.6), dbSNP rs142704514, ClinGen allele CA369055239.
Genomic context (GRCh38, chr7:124,852,995, plus strand): 5'-ATACCTTATTTACATTTTCTAAATACTAAAAGCTTACTTTTTCAGTTGATCCACATCAGA[G>C]TTACTTTCTGGCAAGACCCTGATTCCCCGACCGTAACTGGTACCTCCATGAAGATGAAAC-3'
Protein context (NP_056265.2, residues 272-292): GRGIRVLPES[Asn282Lys]SDVDQLKKDL